The following is an entry in ClinVar:

ClinVar aggregate classification (germline): Uncertain significance (1 of 4 stars; one submission).

Submission:

Labcorp Genetics (formerly Invitae), Labcorp
Classification: Uncertain significance. Last evaluated: 2023-12-11. Review status: criteria provided, single submitter. Criteria: Invitae Variant Classification Sherloc (09022015). Collection method: clinical testing. Allele origin: germline.
Comment: This sequence change replaces arginine, which is basic and polar, with cysteine, which is neutral and slightly polar, at codon 268 of the HYOU1 protein (p.Arg268Cys). This variant is present in population databases (rs371974606, gnomAD 0.003%). This variant has not been reported in the literature in individuals affected with HYOU1-related conditions. An algorithm developed to predict the effect of missense changes on protein structure and function (PolyPhen-2) suggests that this variant is likely to be disruptive. In summary, the available evidence is currently insufficient to determine the role of this variant in disease. Therefore, it has been classified as a Variant of Uncertain Significance.

NM_006389.5(HYOU1):c.802C>T (p.Arg268Cys)

Gene: HYOU1 (hypoxia up-regulated 1; minus strand). Cytogenetic location: 11q23.3.
Variant type: single nucleotide variant.
Coding change: c.802C>T on transcript NM_006389.5 (MANE Select); coding-DNA position 802, C replaced by T.
Protein change: p.Arg268Cys; replaces arginine 268 with cysteine.
Molecular consequence: missense variant.
Genome position (GRCh38, 1-based): chr11:119,052,822, G>A on the plus strand (C>T on the coding strand, the complement: HYOU1 is on the minus strand). VCF-style: chr11-119052822-G-A. GRCh37 (hg19) VCF-style: chr11-118923534-G-A.
Other names: c.802C>T, p.Arg268Cys (NM_001130991.3, NM_001411041.1); short protein forms R268C.
Identifiers: ClinVar variation 2797834 (VCV002797834.3), dbSNP rs371974606, ClinGen allele CA229623771.